The following is an entry in ClinVar:

ClinVar aggregate classification (germline): Uncertain significance. Review status: criteria provided, multiple submitters, no conflicts (2 of 4 stars). 3 submissions from 3 submitters: Uncertain significance (3). Last evaluated 2025-03-05.

Conditions:
Inborn genetic diseases. Identifiers: MedGen C0950123, MeSH D030342.
Leukodystrophy, hypomyelinating, 9. Identifiers: Orphanet 438114, MedGen C4015323, MONDO:0014506, OMIM 616140.

gnomAD v4.1: 62 of 1,613,266 alleles (0.0038%); highest among the groups gnomAD compares: South Asian, 0.026%; no homozygotes.

Submissions (3):

Ambry Genetics
Classification: Uncertain significance for Inborn genetic diseases. Last evaluated: 2025-03-05. Review status: criteria provided, single submitter. Criteria: Ambry Variant Classification Scheme 2023. Collection method: clinical testing. Allele origin: germline.

GeneDx
Classification: Uncertain significance. Last evaluated: 2023-11-03. Review status: criteria provided, single submitter. Criteria: GeneDx Variant Classification Process June 2021. Collection method: clinical testing. Allele origin: germline. Affected: yes.
Comment: Has not been previously published as pathogenic or benign to our knowledge; In silico analysis supports that this missense variant has a deleterious effect on protein structure/function

Juno Genomics, Hangzhou Juno Genomics, Inc
Classification: Uncertain significance for Leukodystrophy, hypomyelinating, 9. Review status: criteria provided, single submitter. Criteria: ACMG Guidelines, 2015. Collection method: clinical testing. Allele origin: germline.
Comment: Absent from controls (or at extremely low frequency if recessive) in Genome Aggregation Database.;Multiple lines of computational evidence support a deleterious effect on the gene or gene product.

NM_002887.4(RARS1):c.694G>A (p.Val232Met)

Gene: RARS1 (arginyl-tRNA synthetase 1; plus strand). Cytogenetic location: 5q34.
Variant type: single nucleotide variant.
Coding change: c.694G>A on transcript NM_002887.4 (MANE Select); coding-DNA position 694, G replaced by A.
Protein change: p.Val232Met; replaces valine 232 with methionine.
Molecular consequence: missense variant.
Genome position (GRCh38, 1-based): chr5:168,495,429, G>A. VCF-style: chr5-168495429-G-A. GRCh37 (hg19) VCF-style: chr5-167922434-G-A.
Other names: short protein forms V232M.
Identifiers: ClinVar variation 3363562 (VCV003363562.4).